The following is an entry in ClinVar:

ClinVar aggregate classification (germline): Uncertain significance. Review status: criteria provided, multiple submitters, no conflicts (2 of 4 stars). 2 submissions from 2 submitters: Uncertain significance (2). Last evaluated 2024-08-16.

Conditions:
Hereditary pancreatitis (PCTT). Also called: PRSS1-Related Hereditary Pancreatitis; Hereditary chronic pancreatitis. Identifiers: Orphanet 676, MedGen C0238339, MONDO:0008185, OMIM 167800.

Allele frequency attached by ClinVar (database versions not stated): gnomAD exomes below 0.00001; ExAC 0.00001.
gnomAD v4.1: 4 of 1,614,120 alleles (0.00025%); highest among the groups gnomAD compares: Non-Finnish European, 0.00034%; no homozygotes.

Submissions (2):

Ambry Genetics
Classification: Uncertain significance for Hereditary pancreatitis. Last evaluated: 2024-08-16. Review status: criteria provided, single submitter. Criteria: Ambry Variant Classification Scheme 2023. Collection method: clinical testing. Allele origin: germline.
Comment: The p.P132H variant (also known as c.395C>A), located in coding exon 3 of the PRSS1 gene, results from a C to A substitution at nucleotide position 395. The proline at codon 132 is replaced by histidine, an amino acid with similar properties. This amino acid position is poorly conserved in available vertebrate species. In addition, the in silico prediction for this alteration is inconclusive. Since supporting evidence is limited at this time, the clinical significance of this alteration remains unclear.

Labcorp Genetics (formerly Invitae), Labcorp
Classification: Uncertain significance for Hereditary pancreatitis. Last evaluated: 2022-04-12. Review status: criteria provided, single submitter. Criteria: Invitae Variant Classification Sherloc (09022015). Collection method: clinical testing. Allele origin: germline.
Comment: In summary, the available evidence is currently insufficient to determine the role of this variant in disease. Therefore, it has been classified as a Variant of Uncertain Significance. Algorithms developed to predict the effect of missense changes on protein structure and function are either unavailable or do not agree on the potential impact of this missense change (SIFT: "Deleterious"; PolyPhen-2: "Possibly Damaging"; Align-GVGD: "Class C0"). ClinVar contains an entry for this variant (Variation ID: 835637). This variant has not been reported in the literature in individuals affected with PRSS1-related conditions. The frequency data for this variant in the population databases is considered unreliable, as metrics indicate poor data quality at this position in the gnomAD database. This sequence change replaces proline, which is neutral and non-polar, with histidine, which is basic and polar, at codon 132 of the PRSS1 protein (p.Pro132His).

NM_002769.5(PRSS1):c.395C>A (p.Pro132His)

Genes: TRB (T cell receptor beta locus; plus strand), PRSS1 (serine protease 1; plus strand). Cytogenetic location: 7q34.
Variant type: single nucleotide variant.
Coding change: c.395C>A on transcript NM_002769.5 (MANE Select); coding-DNA position 395, C replaced by A.
Protein change: p.Pro132His; replaces proline 132 with histidine.
Molecular consequence: missense variant.
Genome position (GRCh38, 1-based): chr7:142,751,968, C>A. VCF-style: chr7-142751968-C-A. GRCh37 (hg19) VCF-style: chr7-142459819-C-A.
Other names: short protein forms P132H.
Identifiers: ClinVar variation 835637 (VCV000835637.12), dbSNP rs759452330, ClinGen allele CA4529949.